The following is an entry in ClinVar:

NM_001042492.3(NF1):c.6268_6279del (p.Phe2090_Ser2093del)

Gene: NF1 (neurofibromin 1; plus strand). Cytogenetic location: 17q11.2.
Variant type: Deletion.
Coding change: c.6268_6279del on transcript NM_001042492.3 (MANE Select); coding-DNA positions 6268 to 6279, 12 bases deleted (TTCAACAATTCC).
Protein change: p.Phe2090_Ser2093del.
Molecular consequence: inframe deletion. On other transcripts: inframe indel (1).
Genome position (GRCh38, 1-based): chr17:31,336,755-31,336,766, TTCAACAATTCC deleted; deleting any 12 consecutive bases within chr17:31,336,752-31,336,766 gives the same sequence; the c. name uses the placement nearest the transcript's 3' end. VCF-style (leftmost placement, unchanged base first): chr17-31336751-GTCCTTCAACAAT-G. GRCh37 (hg19) VCF-style: chr17-29663769-GTCCTTCAACAAT-G.
Other names: c.6205_6216delTTCAACAATTCC, p.Phe2069_Ser2072del (NM_000267.4).
Identifiers: ClinVar variation 1476237 (VCV001476237.8), dbSNP rs2151554649, ClinGen allele CA2573153824.

ClinVar aggregate classification (germline): Uncertain significance (1 of 4 stars; one submission).

Conditions:
Neurofibromatosis, type 1 (NF1). Also called: Neurofibromatosis, type I; VON RECKLINGHAUSEN DISEASE; NEUROFIBROMATOSIS, TYPE I, SOMATIC; Peripheral type neurofibromatosis. Identifiers: Orphanet 636, MedGen C0027831, MONDO:0018975, OMIM 162200. Disease mechanism: loss of function.

Submission:

Labcorp Genetics (formerly Invitae), Labcorp
Classification: Uncertain significance for Neurofibromatosis, type 1. Last evaluated: 2020-11-03. Review status: criteria provided, single submitter. Criteria: Invitae Variant Classification Sherloc (09022015). Collection method: clinical testing. Allele origin: germline.
Comment: This variant, c.6205_6216del, results in the deletion of 4 amino acid(s) of the NF1 protein (p.Phe2069_Ser2072del), but otherwise preserves the integrity of the reading frame. In summary, the available evidence is currently insufficient to determine the role of this variant in disease. Therefore, it has been classified as a Variant of Uncertain Significance. Experimental studies and prediction algorithms are not available or were not evaluated, and the functional significance of this variant is currently unknown. This variant has not been reported in the literature in individuals with NF1-related conditions. This variant is not present in population databases (ExAC no frequency).